The following is an entry in ClinVar:

NM_014141.6(CNTNAP2):c.1349-16053C>T

Gene: CNTNAP2 (contactin associated protein 2; plus strand). Cytogenetic location: 7q35.
Variant type: single nucleotide variant.
Coding change: c.1349-16053C>T on transcript NM_014141.6 (MANE Select); 16053 bases into the intron before coding-DNA position 1349, C replaced by T.
Molecular consequence: intron variant.
Genome position (GRCh38, 1-based): chr7:147,284,088, C>T. VCF-style: chr7-147284088-C-T. GRCh37 (hg19) VCF-style: chr7-146981180-C-T.
Identifiers: ClinVar variation 3345832 (VCV003345832.1).

ClinVar aggregate classification (germline): Uncertain significance (0 of 4 stars; one submission).

Conditions:
CNTNAP2-related disorder. Also called: CNTNAP2-related condition.

gnomAD v4.1: 1 of 151,628 alleles (0.00066%); highest among the groups gnomAD compares: Non-Finnish European, 0.0015%; no homozygotes.

Submission:

PreventionGenetics, part of Exact Sciences
Classification: Uncertain significance for CNTNAP2-related condition. Last evaluated: 2024-06-10. Review status: no assertion criteria provided. Collection method: clinical testing. Allele origin: germline.
Comment: The CNTNAP2 c.1349-16053C>T variant is predicted to interfere with splicing. To our knowledge, this variant has not been reported in the literature. This variant is reported in 0.0065% of alleles in individuals of European (Non-Finnish) descent in gnomAD. However, the use of computer prediction programs is not equivalent to functional evidence, and therefore the clinical significance of this variant is uncertain.